The following is an entry in ClinVar:

NM_000465.4(BARD1):c.1062A>G (p.Ser354=)

Gene: BARD1 (BRCA1 associated RING domain 1; minus strand). Cytogenetic location: 2q35.
Variant type: single nucleotide variant.
Coding change: c.1062A>G on transcript NM_000465.4 (MANE Select); coding-DNA position 1062, A replaced by G.
Protein change: p.Ser354=; no amino-acid change (serine 354 retained).
Molecular consequence: synonymous variant. On other transcripts: non-coding transcript variant (2), intron variant (3).
Genome position (GRCh38, 1-based): chr2:214,780,812, T>C on the plus strand (A>G on the coding strand, the complement: BARD1 is on the minus strand). VCF-style: chr2-214780812-T-C. GRCh37 (hg19) VCF-style: chr2-215645536-T-C.
Other names: c.1005A>G, p.Ser335= (NM_001282543.2); c.159-28257A>G (NM_001282548.2); c.215+16249A>G (NM_001282545.2); c.364+11485A>G (NM_001282549.2).
Identifiers: ClinVar variation 384466 (VCV000384466.22), dbSNP rs1057521964, ClinGen allele CA16604102.

ClinVar aggregate classification (germline): Benign/Likely benign. Review status: criteria provided, multiple submitters, no conflicts (2 of 4 stars). 6 submissions from 6 submitters: Benign (1); Likely benign (4). 1 of the submissions does not count toward it. Last evaluated 2025-07-01.

Conditions:
BARD1-related disorder. Also called: BARD1-related condition.
Hereditary cancer-predisposing syndrome. Also called: Hereditary Cancer Syndrome; Hereditary neoplastic syndrome; Neoplastic Syndromes, Hereditary; Tumor predisposition. Identifiers: Orphanet 140162, MedGen C0027672, MeSH D009386, MONDO:0015356.
Familial cancer of breast. Also called: hereditary breast carcinoma; Hereditary breast cancer; BREAST CANCER, FAMILIAL. Identifiers: Orphanet 227535, MedGen C0346153, MONDO:0016419, OMIM 114480. Disease mechanism: loss of function.

Allele frequency attached by ClinVar (database versions not stated): gnomAD exomes below 0.00001.
gnomAD v4.1: 7 of 1,614,144 alleles (0.00043%); highest among the groups gnomAD compares: Non-Finnish European, 0.00059%; no homozygotes.

Submissions (6):

Labcorp Genetics (formerly Invitae), Labcorp
Classification: Likely benign for Familial cancer of breast. Last evaluated: 2025-07-01. Review status: criteria provided, single submitter. Criteria: Invitae Variant Classification Sherloc (09022015). Collection method: clinical testing. Allele origin: germline.

Myriad Genetics, Inc.
Classification: Benign for Familial cancer of breast. Last evaluated: 2024-07-24. Review status: criteria provided, single submitter. Criteria: Myriad Autosomal Dominant, Autosomal Recessive and X-Linked Classification Criteria (2023). Collection method: clinical testing. Allele origin: unknown.
Comment: This variant is considered benign. This variant is a silent/synonymous amino acid change and it is not expected to impact splicing.

Color Diagnostics, LLC DBA Color Health
Classification: Likely benign for Hereditary cancer-predisposing syndrome. Last evaluated: 2017-05-12. Review status: criteria provided, single submitter. Criteria: ACMG Guidelines, 2015. Collection method: clinical testing. Allele origin: germline.

GeneDx
Classification: Likely benign. Last evaluated: 2016-03-02. Review status: criteria provided, single submitter. Criteria: GeneDx Variant Classification (06012015). Collection method: clinical testing. Allele origin: germline. Affected: yes.
Comment: This variant is considered likely benign or benign based on one or more of the following criteria: it is a conservative change, it occurs at a poorly conserved position in the protein, it is predicted to be benign by multiple in silico algorithms, and/or has population frequency not consistent with disease.

Ambry Genetics
Classification: Likely benign for Hereditary cancer-predisposing syndrome. Last evaluated: 2016-02-05. Review status: criteria provided, single submitter. Criteria: Ambry Variant Classification Scheme 2023. Collection method: clinical testing. Allele origin: germline.

PreventionGenetics, part of Exact Sciences
Classification: Likely benign for BARD1-related condition. Last evaluated: 2023-03-06. Review status: no assertion criteria provided. Collection method: clinical testing. Allele origin: germline. Not counted in ClinVar's aggregate classification.
Comment: This variant is classified as likely benign based on ACMG/AMP sequence variant interpretation guidelines (Richards et al. 2015 PMID: 25741868, with internal and published modifications).